The following is an entry in ClinVar:

NM_032122.5(DTNBP1):c.811+78C>T

Gene: DTNBP1 (dystrobrevin binding protein 1; minus strand). Cytogenetic location: 6p22.3.
Variant type: single nucleotide variant.
Coding change: c.811+78C>T on transcript NM_032122.5 (MANE Select); 78 bases into the intron after coding-DNA position 811, C replaced by T.
Molecular consequence: intron variant. On other transcripts: missense variant (1), non-coding transcript variant (1).
Genome position (GRCh38, 1-based): chr6:15,524,448, G>A on the plus strand (C>T on the coding strand, the complement: DTNBP1 is on the minus strand). VCF-style: chr6-15524448-G-A. GRCh37 (hg19) VCF-style: chr6-15524679-G-A.
Other names: c.889C>T, p.His297Tyr (NM_183040.2); c.706+78C>T (NM_001271669.2); c.760+78C>T (NM_001271668.2); c.568+78C>T (NM_001271667.2); short protein forms H297Y.
Identifiers: ClinVar variation 163301 (VCV000163301.8), dbSNP rs16876571, ClinGen allele CA175981.
Genomic context (GRCh38, chr6:15,524,448, plus strand): 5'-GGTTAGGGAGCCAGGAGCTGGCTGTGAGCTTGGGGGTTTATGCGTAAGTGACTGGCAGAT[G>A]GTTCTCACGTCTCACCTTTGGAGGGGAGTGGCATCGATACTGCCCTGGTTCAGCTAATGC-3'

ClinVar aggregate classification (germline): Benign/Likely benign. Review status: criteria provided, multiple submitters, no conflicts (2 of 4 stars). 4 submissions from 4 submitters: Benign (1); Likely benign (3). Last evaluated 2024-11-26.

Allele frequency attached by ClinVar (database versions not stated): 1000 Genomes Project 0.00719; 1000 Genomes Project 30x 0.00765; ExAC 0.01123; gnomAD exomes 0.01149; gnomAD 0.01267 and 0.01287; TOPMed 0.01353; ESP Exome Variant Server 0.01661.
gnomAD v4.1: 26,908 of 1,614,060 alleles (1.7%); highest among the groups gnomAD compares: Non-Finnish European, 2%; 251 homozygotes.

Submissions (4):

Blueprint Genetics
Classification: Likely benign. Last evaluated: 2024-11-26. Review status: criteria provided, single submitter. Criteria: ACMG Guidelines, 2015. Collection method: clinical testing. Allele origin: germline.

GeneDx
Classification: Likely benign. Last evaluated: 2018-07-14. Review status: criteria provided, single submitter. Criteria: GeneDx Variant Classification Process June 2021. Collection method: clinical testing. Allele origin: germline. Affected: yes.

Laboratory for Molecular Medicine, Mass General Brigham Personalized Medicine
Classification: Benign. Last evaluated: 2013-02-21. Review status: criteria provided, single submitter. Criteria: LMM Criteria. Collection method: clinical testing. Allele origin: germline. Observed: 5 variant alleles.
Comment: His297Tyr in exon 9A of DTNBP1: This variant is not expected to have clinical si gnificance because it has been identified in 2.3% (198/8600) of European America n chromosomes from a broad population by the NHLBI Exome Sequencing Project (dbSNP rs16876571).

Breakthrough Genomics
Classification: Likely benign. Review status: criteria provided, single submitter. Criteria: ACMG Guidelines, 2015. Collection method: not provided. Allele origin: germline. Inheritance: Autosomal recessive inheritance. Affected: yes.